The following is an entry in ClinVar:

ClinVar aggregate classification (germline): Pathogenic (1 of 4 stars; one submission).

Conditions:
Familial hypobetalipoproteinemia 1. Also called: Hypobetalipoproteinemia, normotriglyceridemic; Acanthocytosis with hypobetalipoproteinemia; APOB-Related Familial Hypobetalipoproteinemia. Identifiers: MedGen C4551990, MONDO:0014252, OMIM 615558.
Hypercholesterolemia, autosomal dominant, type B (FHCL2). Also called: Familial Hypercholesterolemia Type B; APOLIPOPROTEIN B-100, FAMILIAL DEFECTIVE; APOLIPOPROTEIN B-100, FAMILIAL LIGAND-DEFECTIVE; HYPERCHOLESTEROLEMIA, FAMILIAL, DUE TO LIGAND-DEFECTIVE APOLIPOPROTEIN B; Hyperlipoproteinemia Type IIb; APOB-Related Familial Hypercholesterolemia, Autosomal Dominant. Identifiers: MedGen C1704417, MONDO:0007751, OMIM 144010.

Submission:

Labcorp Genetics (formerly Invitae), Labcorp
Classification: Pathogenic for Familial hypobetalipoproteinemia 1; Hypercholesterolemia, autosomal dominant, type B. Last evaluated: 2021-05-30. Review status: criteria provided, single submitter. Criteria: Invitae Variant Classification Sherloc (09022015). Collection method: clinical testing. Allele origin: germline.
Comment: This sequence change creates a premature translational stop signal (p.Gln2267*) in the APOB gene. It is expected to result in an absent or disrupted protein product. Loss-of-function variants in APOB are known to be pathogenic (PMID: 20032471). This variant is not present in population databases (ExAC no frequency). This variant has not been reported in the literature in individuals with APOB-related conditions. For these reasons, this variant has been classified as Pathogenic.

Literature cited by the submitters: PubMed 20032471.

NM_000384.3(APOB):c.6799C>T (p.Gln2267Ter)

Gene: APOB (apolipoprotein B; minus strand). Cytogenetic location: 2p24.1.
Variant type: single nucleotide variant.
Coding change: c.6799C>T on transcript NM_000384.3 (MANE Select); coding-DNA position 6799, C replaced by T.
Protein change: p.Gln2267Ter; replaces glutamine 2267 with a stop codon.
Molecular consequence: nonsense.
Genome position (GRCh38, 1-based): chr2:21,010,069, G>A on the plus strand (C>T on the coding strand, the complement: APOB is on the minus strand). VCF-style: chr2-21010069-G-A. GRCh37 (hg19) VCF-style: chr2-21232941-G-A.
Other names: short protein forms Q2267*.
Identifiers: ClinVar variation 1991651 (VCV001991651.1), dbSNP rs2465370629, ClinGen allele CA346000700.